The following is an entry in ClinVar:

NM_001256789.3(CACNA1F):c.4222G>A (p.Ala1408Thr)

Gene: CACNA1F (calcium voltage-gated channel subunit alpha1 F; minus strand). Cytogenetic location: Xp11.23.
Variant type: single nucleotide variant.
Coding change: c.4222G>A on transcript NM_001256789.3 (MANE Select); coding-DNA position 4222, G replaced by A.
Protein change: p.Ala1408Thr; replaces alanine 1408 with threonine.
Molecular consequence: missense variant.
Genome position (GRCh38, 1-based): chrX:49,211,360, C>T on the plus strand (G>A on the coding strand, the complement: CACNA1F is on the minus strand). VCF-style: chrX-49211360-C-T. GRCh37 (hg19) VCF-style: chrX-49067820-C-T.
Other names: c.4255G>A (NM_005183.2); c.4060G>A, p.Ala1354Thr (NM_001256790.3); c.4255G>A, p.Ala1419Thr (NM_005183.4); short protein forms A1419T, A1354T, A1408T.
Identifiers: ClinVar variation 844147 (VCV000844147.11), dbSNP rs782741094, ClinGen allele CA10410246.

ClinVar aggregate classification (germline): Conflicting classifications of pathogenicity. Review status: criteria provided, conflicting classifications (1 of 4 stars). 5 submissions from 5 submitters: Uncertain significance (3); Likely benign (2). Last evaluated 2026-08-24.

Conditions:
Inborn genetic diseases. Identifiers: MedGen C0950123, MeSH D030342.
CACNA1F-related disorder. Also called: CACNA1F-related condition.

Allele frequency attached by ClinVar (database versions not stated): ExAC 0.00001; gnomAD exomes 0.00003 and 0.00004; gnomAD 0.00016 and 0.00017; TOPMed 0.00043.
gnomAD v4.1: 53 of 1,208,974 alleles (0.0044%); highest among the groups gnomAD compares: Admixed American, 0.083%; 2 homozygotes.

Submissions (5):

PreventionGenetics, part of Exact Sciences
Classification: Likely benign for CACNA1F-related condition. Last evaluated: 2026-08-24. Review status: criteria provided, single submitter. Criteria: ACMG Guidelines, 2015. Collection method: clinical testing. Allele origin: germline.
Comment: This variant is classified as likely benign based on ACMG/AMP sequence variant interpretation guidelines (Richards et al. 2015 PMID: 25741868, with internal and published modifications).

Labcorp Genetics (formerly Invitae), Labcorp
Classification: Uncertain significance. Last evaluated: 2025-08-30. Review status: criteria provided, single submitter. Criteria: Invitae Variant Classification Sherloc (09022015). Collection method: clinical testing. Allele origin: germline.
Comment: This sequence change replaces alanine, which is neutral and non-polar, with threonine, which is neutral and polar, at codon 1419 of the CACNA1F protein (p.Ala1419Thr). This variant is present in population databases (rs782741094, gnomAD 0.02%). This variant has not been reported in the literature in individuals affected with CACNA1F-related conditions. ClinVar contains an entry for this variant (Variation ID: 844147). Invitae Evidence Modeling of protein sequence and biophysical properties (such as structural, functional, and spatial information, amino acid conservation, physicochemical variation, residue mobility, and thermodynamic stability) indicates that this missense variant is not expected to disrupt CACNA1F protein function with a negative predictive value of 80%. In summary, the available evidence is currently insufficient to determine the role of this variant in disease. Therefore, it has been classified as a Variant of Uncertain Significance.

Blueprint Genetics
Classification: Likely benign. Last evaluated: 2023-04-13. Review status: criteria provided, single submitter. Criteria: ACMG Guidelines, 2015. Collection method: clinical testing. Allele origin: germline.

Ambry Genetics
Classification: Uncertain significance for Inborn genetic diseases. Last evaluated: 2021-08-04. Review status: criteria provided, single submitter. Criteria: Ambry Variant Classification Scheme 2023. Collection method: clinical testing. Allele origin: germline.

Breakthrough Genomics
Classification: Uncertain significance. Review status: criteria provided, single submitter. Criteria: ACMG Guidelines, 2015. Collection method: not provided. Allele origin: germline. Inheritance: X-linked inheritance. Affected: yes.